The following is an entry in ClinVar:

ClinVar aggregate classification (germline): Uncertain significance (1 of 4 stars; one submission).

Conditions:
Inborn genetic diseases. Identifiers: MedGen C0950123, MeSH D030342.

gnomAD v4.1: 1 of 1,613,634 alleles (0.000062%); highest among the groups gnomAD compares: Non-Finnish European, 0.000085%; no homozygotes.

Submission:

Ambry Genetics
Classification: Uncertain significance for Inborn genetic diseases. Last evaluated: 2026-05-21. Review status: criteria provided, single submitter. Criteria: Ambry Variant Classification Scheme 2023. Collection method: clinical testing. Allele origin: germline.
Comment: The p.L1213F variant (also known as c.3637C>T), located in coding exon 1 of the SAMD9 gene, results from a C to T substitution at nucleotide position 3637. The leucine at codon 1213 is replaced by phenylalanine, an amino acid with highly similar properties. This amino acid position is conserved. In addition, this alteration is predicted to be tolerated by in silico analysis. Based on the available evidence, the clinical significance of this variant remains unclear.

NM_017654.4(SAMD9):c.3637C>T (p.Leu1213Phe)

Gene: SAMD9 (sterile alpha motif domain containing 9; minus strand). Cytogenetic location: 7q21.2.
Variant type: single nucleotide variant.
Coding change: c.3637C>T on transcript NM_017654.4 (MANE Select); coding-DNA position 3637, C replaced by T.
Protein change: p.Leu1213Phe; replaces leucine 1213 with phenylalanine.
Molecular consequence: missense variant.
Genome position (GRCh38, 1-based): chr7:93,102,461, G>A on the plus strand (C>T on the coding strand, the complement: SAMD9 is on the minus strand). VCF-style: chr7-93102461-G-A. GRCh37 (hg19) VCF-style: chr7-92731774-G-A.
Other names: c.3637C>T, p.Leu1213Phe (NM_001193307.2); short protein forms L1213F.
Identifiers: ClinVar variation 4863870 (VCV004863870.1).